The following is an entry in ClinVar:

ClinVar aggregate classification (germline): Likely benign. Review status: criteria provided, multiple submitters, no conflicts (2 of 4 stars). 3 submissions from 3 submitters: Likely benign (3). Last evaluated 2024-10-17.

Allele frequency attached by ClinVar (database versions not stated): 1000 Genomes Project 30x 0.00031; 1000 Genomes Project 0.00040; ExAC 0.00076; gnomAD exomes 0.00076; gnomAD 0.00093 and 0.00095; ESP Exome Variant Server 0.00101; TOPMed 0.00123.
gnomAD v4.1: 1,150 of 1,340,796 alleles (0.086%); highest among the groups gnomAD compares: Admixed American, 0.14%; 1 homozygote.

Submissions (3):

Blueprint Genetics
Classification: Likely benign. Last evaluated: 2024-10-17. Review status: criteria provided, single submitter. Criteria: ACMG Guidelines, 2015. Collection method: clinical testing. Allele origin: germline.

GeneDx
Classification: Likely benign. Last evaluated: 2018-03-13. Review status: criteria provided, single submitter. Criteria: GeneDx Variant Classification (06012015). Collection method: clinical testing. Allele origin: germline. Affected: yes.
Comment: This variant is considered likely benign or benign based on one or more of the following criteria: it is a conservative change, it occurs at a poorly conserved position in the protein, it is predicted to be benign by multiple in silico algorithms, and/or has population frequency not consistent with disease.

Breakthrough Genomics
Classification: Likely benign. Review status: criteria provided, single submitter. Criteria: ACMG Guidelines, 2015. Collection method: not provided. Allele origin: germline. Inheritance: Autosomal recessive inheritance. Affected: yes.

NM_018429.3(BDP1):c.599+8A>G

Gene: BDP1 (BDP1 general transcription factor IIIB subunit; plus strand). Cytogenetic location: 5q13.2.
Variant type: single nucleotide variant.
Coding change: c.599+8A>G on transcript NM_018429.3 (MANE Select); 8 bases into the intron after coding-DNA position 599, A replaced by G.
Molecular consequence: intron variant.
Genome position (GRCh38, 1-based): chr5:71,461,934, A>G. VCF-style: chr5-71461934-A-G. GRCh37 (hg19) VCF-style: chr5-70757761-A-G.
Identifiers: ClinVar variation 683165 (VCV000683165.3), dbSNP rs200824019, ClinGen allele CA3295729.